The following is an entry in ClinVar:

NM_000414.4(HSD17B4):c.2075A>G (p.Asp692Gly)

Gene: HSD17B4 (hydroxysteroid 17-beta dehydrogenase 4; plus strand). Cytogenetic location: 5q23.1.
Variant type: single nucleotide variant.
Coding change: c.2075A>G on transcript NM_000414.4 (MANE Select); coding-DNA position 2075, A replaced by G.
Protein change: p.Asp692Gly; replaces aspartic acid 692 with glycine.
Molecular consequence: missense variant. On other transcripts: non-coding transcript variant (2).
Genome position (GRCh38, 1-based): chr5:119,536,504, A>G. VCF-style: chr5-119536504-A-G. GRCh37 (hg19) VCF-style: chr5-118872199-A-G.
Other names: c.2150A>G, p.Asp717Gly (NM_001199291.3); c.2021A>G, p.Asp674Gly (NM_001199292.2); c.2003A>G, p.Asp668Gly (NM_001292027.2, NM_001374498.1); c.1655A>G, p.Asp552Gly (NM_001292028.2); c.2066A>G, p.Asp689Gly (NM_001374497.1); c.1748A>G, p.Asp583Gly (NM_001374499.1); c.1634A>G, p.Asp545Gly (NM_001374500.1); c.1664A>G, p.Asp555Gly (NM_001374501.1, NM_001374502.1, NM_001374503.1); short protein forms D555G, D583G, D692G, D545G, D668G, D552G, D674G, D689G.
Identifiers: ClinVar variation 1475037 (VCV001475037.8), dbSNP rs2126915869, ClinGen allele CA360872071.

ClinVar aggregate classification (germline): Uncertain significance (1 of 4 stars; one submission).

Conditions:
Bifunctional peroxisomal enzyme deficiency (DBIF). Also called: DBP DEFICIENCY; PBFE DEFICIENCY; D-bifunctional protein deficiency. Identifiers: Orphanet 300, MedGen C0342870, MONDO:0009855, OMIM 261515. Disease mechanism: loss of function.
Perrault syndrome. Also called: Gonadal dysgenesis with auditory dysfunction, autosomal recessive inheritance. Identifiers: Orphanet 2855, MedGen C0685838, MONDO:0017312.

Allele frequency attached by ClinVar (database versions not stated): gnomAD exomes below 0.00001.
gnomAD v4.1: 5 of 1,612,352 alleles (0.00031%); highest among the groups gnomAD compares: Non-Finnish European, 0.00042%; no homozygotes.

Submission:

Labcorp Genetics (formerly Invitae), Labcorp
Classification: Uncertain significance for Perrault syndrome; Bifunctional peroxisomal enzyme deficiency. Last evaluated: 2022-05-27. Review status: criteria provided, single submitter. Criteria: Invitae Variant Classification Sherloc (09022015). Collection method: clinical testing. Allele origin: germline.
Comment: Advanced modeling of protein sequence and biophysical properties (such as structural, functional, and spatial information, amino acid conservation, physicochemical variation, residue mobility, and thermodynamic stability) performed at Invitae indicates that this missense variant is expected to disrupt HSD17B4 protein function. Algorithms developed to predict the effect of sequence changes on RNA splicing suggest that this variant may create or strengthen a splice site. In summary, the available evidence is currently insufficient to determine the role of this variant in disease. Therefore, it has been classified as a Variant of Uncertain Significance. This variant has not been reported in the literature in individuals affected with HSD17B4-related conditions. This sequence change replaces aspartic acid, which is acidic and polar, with glycine, which is neutral and non-polar, at codon 692 of the HSD17B4 protein (p.Asp692Gly). This variant is not present in population databases (gnomAD no frequency).